The following is an entry in ClinVar:

ClinVar aggregate classification (germline): Uncertain significance. Review status: criteria provided, multiple submitters, no conflicts (2 of 4 stars). 6 submissions from 5 submitters: Uncertain significance (6). Last evaluated 2024-10-26.

Conditions:
Joubert syndrome 9 (JBTS9). Identifiers: Orphanet 2318, MedGen C2676788, MONDO:0012849, OMIM 612285.
COACH syndrome 2. Identifiers: MedGen C5436837, MONDO:0030859, OMIM 619111.
Meckel syndrome, type 6. Identifiers: Orphanet 564, MedGen C2676790, MONDO:0012848, OMIM 612284.
Retinitis pigmentosa 93. Identifiers: MedGen C5676970, MONDO:0030797, OMIM 619845.
COACH syndrome 1. Identifiers: Orphanet 1454, MedGen C5435651, MONDO:0800103, OMIM 216360, MONDO:0008996.
Joubert syndrome. Also called: Familial aplasia of the vermis; JOUBERT-BOLTSHAUSER SYNDROME. Identifiers: Orphanet 475, MedGen C5979921, MONDO:0018772.
Meckel-Gruber syndrome. Also called: Dysencephalia splachnocystica; DYSENCEPHALIA SPLANCHNOCYSTICA; GRUBER SYNDROME. Identifiers: Orphanet 564, MedGen C0265215, MONDO:0018921.

Allele frequency attached by ClinVar (database versions not stated): gnomAD exomes 0.00007; ExAC 0.00014; TOPMed 0.00018; gnomAD 0.00023; ESP Exome Variant Server 0.00025; 1000 Genomes Project 30x 0.00031; 1000 Genomes Project 0.00040.
gnomAD v4.1: 84 of 1,482,572 alleles (0.0057%); highest among the groups gnomAD compares: African/African-American, 0.053%; no homozygotes.

Submissions (6):

Labcorp Genetics (formerly Invitae), Labcorp
Classification: Uncertain significance for Joubert syndrome; Meckel-Gruber syndrome. Last evaluated: 2024-10-26. Review status: criteria provided, single submitter. Criteria: Invitae Variant Classification Sherloc (09022015). Collection method: clinical testing. Allele origin: germline.
Comment: This sequence change replaces arginine, which is basic and polar, with cysteine, which is neutral and slightly polar, at codon 1618 of the CC2D2A protein (p.Arg1618Cys). This variant is present in population databases (rs201219078, gnomAD 0.05%). This variant has not been reported in the literature in individuals affected with CC2D2A-related conditions. ClinVar contains an entry for this variant (Variation ID: 238282). Invitae Evidence Modeling of protein sequence and biophysical properties (such as structural, functional, and spatial information, amino acid conservation, physicochemical variation, residue mobility, and thermodynamic stability) indicates that this missense variant is not expected to disrupt CC2D2A protein function with a negative predictive value of 80%. In summary, the available evidence is currently insufficient to determine the role of this variant in disease. Therefore, it has been classified as a Variant of Uncertain Significance.

Blueprint Genetics
Classification: Uncertain significance. Last evaluated: 2024-08-16. Review status: criteria provided, single submitter. Criteria: ACMG Guidelines, 2015. Collection method: clinical testing. Allele origin: germline.

Fulgent Genetics
Classification: Uncertain significance for Meckel syndrome, type 6; Joubert syndrome 9; COACH syndrome 2; Retinitis pigmentosa 93. Last evaluated: 2024-04-19. Review status: criteria provided, single submitter. Criteria: ACMG Guidelines, 2015. Collection method: clinical testing. Allele origin: germline.

Baylor Genetics
Classification: Uncertain significance for Joubert syndrome 9. Last evaluated: 2019-08-03. Review status: criteria provided, single submitter. Criteria: ACMG Guidelines, 2015. Collection method: clinical testing. Allele origin: unknown. Affected: yes.
Comment: This variant was determined to be of uncertain significance according to ACMG Guidelines, 2015 [PMID:25741868].

GeneDx
Classification: Uncertain significance. Last evaluated: 2019-07-23. Review status: criteria provided, single submitter. Criteria: GeneDx Variant Classification Process June 2021. Collection method: clinical testing. Allele origin: germline. Affected: yes.
Comment: In silico analysis, which includes protein predictors and evolutionary conservation, supports a deleterious effect; Has not been previously published as pathogenic or benign to our knowledge

Fulgent Genetics
Classification: Uncertain significance for COACH syndrome 1; Meckel syndrome, type 6; Joubert syndrome 9. Last evaluated: 2018-10-31. Review status: criteria provided, single submitter. Criteria: ACMG Guidelines, 2015. Collection method: clinical testing. Allele origin: unknown.

NM_001378615.1(CC2D2A):c.4852C>T (p.Arg1618Cys)

Genes: CC2D2A (coiled-coil and C2 domain containing 2A; plus strand), FBXL5 (F-box and leucine rich repeat protein 5; minus strand). Cytogenetic location: 4p15.32.
Variant type: single nucleotide variant.
Coding change: c.4852C>T on transcript NM_001378615.1 (MANE Select); coding-DNA position 4852, C replaced by T.
Protein change: p.Arg1618Cys; replaces arginine 1618 with cysteine.
Molecular consequence: missense variant.
Genome position (GRCh38, 1-based): chr4:15,601,414, C>T. VCF-style: chr4-15601414-C-T. GRCh37 (hg19) VCF-style: chr4-15603037-C-T.
Other names: c.4852C>T, p.Arg1618Cys (NM_001080522.2); c.4705C>T, p.Arg1569Cys (NM_001378617.1); short protein forms R1618C, R1569C.
Identifiers: ClinVar variation 238282 (VCV000238282.13), dbSNP rs201219078, ClinGen allele CA2864491.
Genomic context (GRCh38, chr4:15,601,414, plus strand): 5'-TACATACACCCATACCCCAAAAATGTTTTGTCTGTTTGGATCTATGTTGCCTCTCTTATA[C>T]GCAACAGGTAATTTTTTTCACTGTACTTTCTGTATCATGTAAAAACTACACTTAGGATAT-3'
Protein context (NP_001365544.1, residues 1608-1620): SVWIYVASLI[Arg1618Cys]NR